The following is an entry in ClinVar:

ClinVar aggregate classification (germline): Benign/Likely benign. Review status: criteria provided, multiple submitters, no conflicts (2 of 4 stars). 4 submissions from 4 submitters: Benign (1); Likely benign (3). Last evaluated 2025-12-13.

Conditions:
Hereditary cancer-predisposing syndrome. Also called: Tumor predisposition; Neoplastic Syndromes, Hereditary; Hereditary Cancer Syndrome; Hereditary neoplastic syndrome. Identifiers: Orphanet 140162, MedGen C0027672, MeSH D009386, MONDO:0015356.
Pheochromocytoma/paraganglioma syndrome 5. Also called: Paragangliomas 5; SDHA-Related Hereditary Paraganglioma-Pheochromocytoma Syndrome. Identifiers: Orphanet 29072, MedGen C3279992, MONDO:0013602, OMIM 614165.
Mitochondrial complex II deficiency, nuclear type 1. Also called: SUCCINATE CoQ REDUCTASE DEFICIENCY. Identifiers: Orphanet 3208, MedGen C5700310, MONDO:0100294, OMIM 252011.

Allele frequency attached by ClinVar (database versions not stated): gnomAD exomes below 0.00001; TOPMed below 0.00001.
gnomAD v4.1: 1 of 1,614,190 alleles (0.000062%); highest among the groups gnomAD compares: Admixed American, 0.0017%; no homozygotes.

Submissions (4):

Labcorp Genetics (formerly Invitae), Labcorp
Classification: Likely benign for Pheochromocytoma/paraganglioma syndrome 5; Mitochondrial complex II deficiency, nuclear type 1. Last evaluated: 2025-12-13. Review status: criteria provided, single submitter. Criteria: Invitae Variant Classification Sherloc (09022015). Collection method: clinical testing. Allele origin: germline.

Myriad Genetics, Inc.
Classification: Benign for Pheochromocytoma/paraganglioma syndrome 5. Last evaluated: 2025-03-03. Review status: criteria provided, single submitter. Criteria: Myriad Autosomal Dominant, Autosomal Recessive and X-Linked Classification Criteria (2023). Collection method: clinical testing. Allele origin: unknown.
Comment: This variant is considered benign. This variant is a silent/synonymous amino acid change and it is not expected to impact splicing.

Quest Diagnostics Nichols Institute San Juan Capistrano
Classification: Likely benign. Last evaluated: 2023-02-09. Review status: criteria provided, single submitter. Criteria: Quest Diagnostics criteria. Collection method: clinical testing. Allele origin: unknown.

Ambry Genetics
Classification: Likely benign for Hereditary cancer-predisposing syndrome. Last evaluated: 2022-06-11. Review status: criteria provided, single submitter. Criteria: Ambry Variant Classification Scheme 2023. Collection method: clinical testing. Allele origin: germline.

NM_004168.4(SDHA):c.588T>C (p.Thr196=)

Gene: SDHA (succinate dehydrogenase complex flavoprotein subunit A; plus strand). Cytogenetic location: 5p15.33.
Variant type: single nucleotide variant.
Coding change: c.588T>C on transcript NM_004168.4 (MANE Select); coding-DNA position 588, T replaced by C.
Protein change: p.Thr196=; no amino-acid change (threonine 196 retained).
Molecular consequence: synonymous variant.
Genome position (GRCh38, 1-based): chr5:226,014, T>C. VCF-style: chr5-226014-T-C. GRCh37 (hg19) VCF-style: chr5-226129-T-C.
Other names: c.588T>C (NM_004168.3); c.444T>C, p.Thr148= (NM_001294332.2); c.588T>C, p.Thr196= (NM_001330758.2).
Identifiers: ClinVar variation 1130278 (VCV001130278.13), dbSNP rs1278276778, ClinGen allele CA442691153.
Genomic context (GRCh38, chr5:226,014, plus strand): 5'-GAGCCTCAAGTTTGGAAAGGGCGGGCAGGCCCATCGGTGCTGCTGTGTGGCTGATCGGAC[T>C]GGCCACTCGCTATTGCACACCTTATATGGAAGGGTAAGGCCGCCCCCGTCCACCTGAGAC-3'
Protein context (NP_004159.2, residues 186-206): AHRCCCVADR[Thr196=]GHSLLHTLYG